The following is an entry in ClinVar:

ClinVar aggregate classification (germline): Likely pathogenic (1 of 4 stars; one submission).

Allele frequency attached by ClinVar (database versions not stated): gnomAD 0.00001; 1000 Genomes Project 30x 0.00016.

Submission:

GeneDx
Classification: Likely pathogenic. Last evaluated: 2016-02-17. Review status: criteria provided, single submitter. Criteria: GeneDx Variant Classification (06012015). Collection method: clinical testing. Allele origin: germline. Affected: yes.
Comment: The c.3 G>T variant in the ACAD8 gene has been reported previously in association with isobutyryl-CoA dehydrogenase (IBD) deficiency in two patients who were also compound heterozygous for another variant in the ACAD8 gene. (Yoo et al., 2007; Yun et al., 2015). These patients had biochemical evidence of IBD deficiency, but were asymptomatic at the time of assessment (Yoo et al., 2007; Yun et al., 2015). The variant alters the initiator Methionine codon, and the resultant protein would be described as p.Met1? using a question mark to signify that it is not known if the loss of Met1 means that all protein translation is completely prevented or if an abnormal protein is produced using an alternate Met. Additionally, other variants in the initiator Methionine codon (c.1 A>C, c.3 G>C) have been identified in patients referred to GeneDx for ACAD8 sequencing. Therefore, we interpret c.3 G>T to be a likely pathogenic variant."

NM_014384.3(ACAD8):c.3G>T (p.Met1Ile)

Gene: ACAD8 (acyl-CoA dehydrogenase family member 8; plus strand). Cytogenetic location: 11q25.
Variant type: single nucleotide variant.
Coding change: c.3G>T on transcript NM_014384.3 (MANE Select); coding-DNA position 3, G replaced by T.
Protein change: p.Met1Ile; changes the start codon (methionine 1).
Molecular consequence: missense variant, initiator codon variant.
Genome position (GRCh38, 1-based): chr11:134,253,603, G>T. VCF-style: chr11-134253603-G-T. GRCh37 (hg19) VCF-style: chr11-134123497-G-T.
Other names: short protein forms M1I.
Identifiers: ClinVar variation 430159 (VCV000430159.3), dbSNP rs751940610, ClinGen allele CA6372800.